The following is an entry in ClinVar:

ClinVar aggregate classification (germline): Uncertain significance (1 of 4 stars; one submission).

Conditions:
Hereditary pancreatitis (PCTT). Also called: Hereditary chronic pancreatitis; PRSS1-Related Hereditary Pancreatitis. Identifiers: Orphanet 676, MedGen C0238339, MONDO:0008185, OMIM 167800.

Submission:

Ambry Genetics
Classification: Uncertain significance for Hereditary pancreatitis. Last evaluated: 2023-03-02. Review status: criteria provided, single submitter. Criteria: Ambry Variant Classification Scheme 2023. Collection method: clinical testing. Allele origin: germline.
Comment: The p.F184L variant (also known as c.552C>A), located in coding exon 4 of the PRSS1 gene, results from a C to A substitution at nucleotide position 552. The phenylalanine at codon 184 is replaced by leucine, an amino acid with highly similar properties. This amino acid position is conserved. In addition, this alteration is predicted to be tolerated by in silico analysis. Since supporting evidence is limited at this time, the clinical significance of this alteration remains unclear.

NM_002769.5(PRSS1):c.552C>A (p.Phe184Leu)

Genes: TRB (T cell receptor beta locus; plus strand), PRSS1 (serine protease 1; plus strand). Cytogenetic location: 7q34.
Variant type: single nucleotide variant.
Coding change: c.552C>A on transcript NM_002769.5 (MANE Select); coding-DNA position 552, C replaced by A.
Protein change: p.Phe184Leu; replaces phenylalanine 184 with leucine.
Molecular consequence: missense variant. On other transcripts: non-coding transcript variant (5).
Genome position (GRCh38, 1-based): chr7:142,752,528, C>A. VCF-style: chr7-142752528-C-A. GRCh37 (hg19) VCF-style: chr7-142460379-C-A.
Other names: short protein forms F184L.
Identifiers: ClinVar variation 2448232 (VCV002448232.2), dbSNP rs767583768, ClinGen allele CA369610348.
Genomic context (GRCh38, chr7:142,752,528, plus strand): 5'-TGTGCTGAGCCAGGCTAAGTGTGAAGCCTCCTACCCTGGAAAGATTACCAGCAACATGTT[C>A]TGTGTGGGCTTCCTTGAGGGAGGCAAGGATTCATGTCAGGTGATTTGACCAACCCTTCCC-3'
Protein context (NP_002760.1, residues 174-194): SYPGKITSNM[Phe184Leu]CVGFLEGGKD